The following is an entry in ClinVar:

ClinVar aggregate classification (germline): Benign/Likely benign. Review status: criteria provided, multiple submitters, no conflicts (2 of 4 stars). 14 submissions from 14 submitters: Benign (4); Likely benign (9). 1 of the submissions does not count toward it. Last evaluated 2026-02-03.

Conditions:
Tuberous sclerosis 2 (TSC2). Identifiers: Orphanet 805, MedGen C1860707, MONDO:0013199, OMIM 613254.
Lymphangiomyomatosis (LAM). Also called: Lymphangioleiomyomatosis; Lymphangioleiomyomatosis, somatic. Identifiers: Orphanet 538, MedGen C0751674, MONDO:0011705, OMIM 606690.
Isolated focal cortical dysplasia type II (FCORD2). Also called: CORTICAL DYSPLASIA OF TAYLOR; Focal cortical dysplasia type II. Identifiers: Orphanet 268994, MedGen C1846385, MONDO:0011818, OMIM 607341, HP:0032051.
TSC2-related disorder. Also called: TSC2-Related Disorders; TSC2-related condition.
Hereditary cancer-predisposing syndrome. Also called: Tumor predisposition; Hereditary Cancer Syndrome; Neoplastic Syndromes, Hereditary; Hereditary neoplastic syndrome. Identifiers: Orphanet 140162, MedGen C0027672, MeSH D009386, MONDO:0015356.
Tuberous sclerosis syndrome (TSC). Also called: Tuberous Sclerosis Complex; Tuberous sclerosis. Identifiers: Orphanet 805, MedGen C0041341, MONDO:0001734.

Allele frequency attached by ClinVar (database versions not stated): ExAC 0.00009; gnomAD exomes 0.00010 and 0.00013; TOPMed 0.00014; ESP Exome Variant Server 0.00015; gnomAD 0.00015; 1000 Genomes Project 30x 0.00031; 1000 Genomes Project 0.00040.
gnomAD v4.1: 210 of 1,612,904 alleles (0.013%); highest among the groups gnomAD compares: Admixed American, 0.028%; 1 homozygote.

Submissions (14):

Labcorp Genetics (formerly Invitae), Labcorp
Classification: Benign for Tuberous sclerosis 2. Last evaluated: 2026-02-03. Review status: criteria provided, single submitter. Criteria: Invitae Variant Classification Sherloc (09022015). Collection method: clinical testing. Allele origin: germline.

Myriad Genetics, Inc.
Classification: Benign for Tuberous sclerosis 2. Last evaluated: 2025-06-05. Review status: criteria provided, single submitter. Criteria: Myriad Autosomal Dominant, Autosomal Recessive and X-Linked Classification Criteria (2023). Collection method: clinical testing. Allele origin: unknown.
Comment: This variant is considered benign. This variant is a silent/synonymous amino acid change and it is not expected to impact splicing.

Laboratory of Genetics, Children's Clinical University Hospital Latvia
Classification: Likely benign. Last evaluated: 2025-02-16. Review status: criteria provided, single submitter. Criteria: ACMG Guidelines, 2015. Collection method: clinical testing. Allele origin: germline. Affected: yes.

Blueprint Genetics
Classification: Likely benign. Last evaluated: 2024-09-04. Review status: criteria provided, single submitter. Criteria: ACMG Guidelines, 2015. Collection method: clinical testing. Allele origin: germline.

Quest Diagnostics Nichols Institute San Juan Capistrano
Classification: Benign. Last evaluated: 2024-08-09. Review status: criteria provided, single submitter. Criteria: Quest Diagnostics criteria. Collection method: clinical testing. Allele origin: unknown.
Comment: The frequency of this variant in the general population is higher than would generally be expected for pathogenic variants in this gene. Computational tools yielded predictions that this variant is unlikely to have an effect on normal RNA splicing. This nucleotide position exhibits low evolutionary conservation. This variant has been seen where an alternate explanation for disease was also identified.

CeGaT Center for Human Genetics Tuebingen
Classification: Likely benign. Last evaluated: 2023-09-01. Review status: criteria provided, single submitter. Criteria: CeGaT Center For Human Genetics Tuebingen Variant Classification Criteria Version 2. Collection method: clinical testing. Allele origin: germline. Affected: yes. Observed: 3 variant alleles.
Comment: TSC2: BP4, BP7

Color Diagnostics, LLC DBA Color Health
Classification: Likely benign for Tuberous sclerosis syndrome. Last evaluated: 2022-11-06. Review status: criteria provided, single submitter. Criteria: ACMG Guidelines, 2015. Collection method: clinical testing. Allele origin: germline.

Genome-Nilou Lab
Classification: Benign for Tuberous sclerosis 2. Last evaluated: 2021-11-07. Review status: criteria provided, single submitter. Criteria: ACMG Guidelines, 2015. Collection method: clinical testing. Allele origin: germline. Affected: no.

Fulgent Genetics
Classification: Likely benign for Lymphangiomyomatosis; Isolated focal cortical dysplasia type II; Tuberous sclerosis 2. Last evaluated: 2021-10-20. Review status: criteria provided, single submitter. Criteria: ACMG Guidelines, 2015. Collection method: clinical testing. Allele origin: unknown.

Sema4
Classification: Likely benign for Hereditary cancer-predisposing syndrome. Last evaluated: 2021-03-19. Review status: criteria provided, single submitter. Criteria: Sema4 Curation Guidelines. Collection method: curation. Allele origin: germline.

GeneDx
Classification: Likely benign. Last evaluated: 2020-11-27. Review status: criteria provided, single submitter. Criteria: GeneDx Variant Classification Process June 2021. Collection method: clinical testing. Allele origin: germline. Affected: yes.
Comment: This variant is associated with the following publications: (PMID: 21102627)

Ambry Genetics
Classification: Likely benign for Hereditary cancer-predisposing syndrome. Last evaluated: 2016-12-14. Review status: criteria provided, single submitter. Criteria: Ambry Variant Classification Scheme 2023. Collection method: clinical testing. Allele origin: germline.

ARUP Laboratories, Molecular Genetics and Genomics, ARUP Laboratories
Classification: Likely benign. Last evaluated: 2016-12-02. Review status: criteria provided, single submitter. Criteria: ARUP Molecular Germline Variant Investigation Process. Collection method: clinical testing. Allele origin: germline.

PreventionGenetics, part of Exact Sciences
Classification: Likely benign for TSC2-related condition. Last evaluated: 2022-03-09. Review status: no assertion criteria provided. Collection method: clinical testing. Allele origin: germline. Not counted in ClinVar's aggregate classification.
Comment: This variant is classified as likely benign based on ACMG/AMP sequence variant interpretation guidelines (Richards et al. 2015 PMID: 25741868, with internal and published modifications).

NM_000548.5(TSC2):c.4809C>T (p.Asp1603=)

Gene: TSC2 (TSC complex subunit 2; plus strand). Cytogenetic location: 16p13.3.
Variant type: single nucleotide variant.
Coding change: c.4809C>T on transcript NM_000548.5 (MANE Select); coding-DNA position 4809, C replaced by T.
Protein change: p.Asp1603=; no amino-acid change (aspartic acid 1603 retained).
Molecular consequence: synonymous variant.
Genome position (GRCh38, 1-based): chr16:2,086,339, C>T. VCF-style: chr16-2086339-C-T. GRCh37 (hg19) VCF-style: chr16-2136340-C-T.
Other names: c.4809C>T (NM_000548.4); c.4608C>T, p.Asp1536= (NM_001077183.3); c.4740C>T, p.Asp1580= (NM_001114382.3); c.4500C>T, p.Asp1500= (NM_001318827.2); c.4464C>T, p.Asp1488= (NM_001318829.2); c.4077C>T, p.Asp1359= (NM_001318831.2); c.4641C>T, p.Asp1547= (NM_001318832.2); c.4611C>T, p.Asp1537= (NM_001363528.2); and 2 more.
Identifiers: ClinVar variation 238062 (VCV000238062.61), dbSNP rs147578602, ClinGen allele CA052482.